The following is an entry in ClinVar:

NM_001394062.1(MACF1):c.20126A>T (p.Tyr6709Phe)

Gene: MACF1 (microtubule actin crosslinking factor 1; plus strand). Cytogenetic location: 1p34.3.
Variant type: single nucleotide variant.
Coding change: c.20126A>T on transcript NM_001394062.1 (MANE Select); coding-DNA position 20126, A replaced by T.
Protein change: p.Tyr6709Phe; replaces tyrosine 6709 with phenylalanine.
Molecular consequence: missense variant.
Genome position (GRCh38, 1-based): chr1:39,448,631, A>T. VCF-style: chr1-39448631-A-T. GRCh37 (hg19) VCF-style: chr1-39914303-A-T.
Other names: c.13949A>T, p.Tyr4650Phe (NM_012090.5); short protein forms Y4650F, Y6709F.
Identifiers: ClinVar variation 1313113 (VCV001313113.2), dbSNP rs2148674722, ClinGen allele CA339822251.

ClinVar aggregate classification (germline): Uncertain significance (1 of 4 stars; one submission).

Submission:

GeneDx
Classification: Uncertain significance. Last evaluated: 2020-07-16. Review status: criteria provided, single submitter. Criteria: GeneDx Variant Classification Process June 2021. Collection method: clinical testing. Allele origin: germline. Affected: yes.
Comment: Not observed in large population cohorts (Lek et al., 2016); In silico analysis supports that this missense variant has a deleterious effect on protein structure/function; Has not been previously published as pathogenic or benign to our knowledge